The following is an entry in ClinVar:

ClinVar aggregate classification (germline): Uncertain significance (1 of 4 stars; one submission).

Conditions:
Hereditary cancer-predisposing syndrome. Also called: Hereditary neoplastic syndrome; Neoplastic Syndromes, Hereditary; Tumor predisposition; Hereditary Cancer Syndrome. Identifiers: Orphanet 140162, MedGen C0027672, MeSH D009386, MONDO:0015356.

Submission:

Ambry Genetics
Classification: Uncertain significance for Hereditary cancer-predisposing syndrome. Last evaluated: 2014-06-17. Review status: criteria provided, single submitter. Criteria: Ambry Variant Classification Scheme 2023. Collection method: clinical testing. Allele origin: germline.
Comment: The p.G259S variant (also known as c.775G>A), located in coding exon 5 of the CHEK2 gene, results from a G to A substitution at nucleotide position 775. The glycine at codon 259 is replaced by serine, an amino acid with similar properties. This variant was not reported in population based cohorts in the following databases: Database of Single Nucleotide Polymorphisms (dbSNP), NHLBI Exome Sequencing Project (ESP), and 1000 Genomes Project. In the ESP, this variant was not observed in 6503 samples (13006 alleles) with coverage at this position. To date, this alteration has been detected with an allele frequency of approximately 0.005% (greater than 18000 alleles tested) in our clinical cohort (includes this individual). This amino acid position is well conserved in available vertebrate species. In addition, this alteration is predicted to be benign and tolerated by PolyPhen and SIFT in silico analyses, respectively. Since supporting evidence is limited at this time, the clinical significance of p.G259S remains unclear.

NM_007194.4(CHEK2):c.775G>A (p.Gly259Ser)

Gene: CHEK2 (checkpoint kinase 2; minus strand). Cytogenetic location: 22q12.1.
Variant type: single nucleotide variant.
Coding change: c.775G>A on transcript NM_007194.4 (MANE Select); coding-DNA position 775, G replaced by A.
Protein change: p.Gly259Ser; replaces glycine 259 with serine.
Molecular consequence: missense variant.
Genome position (GRCh38, 1-based): chr22:28,711,926, C>T on the plus strand (G>A on the coding strand, the complement: CHEK2 is on the minus strand). VCF-style: chr22-28711926-C-T. GRCh37 (hg19) VCF-style: chr22-29107914-C-T.
Other names: c.904G>A, p.Gly302Ser (NM_001005735.3); c.112G>A, p.Gly38Ser (NM_001257387.3); c.574G>A, p.Gly192Ser (NM_001349956.3); c.775G>A, p.Gly259Ser (NM_145862.3); short protein forms G259S, G192S, G302S, G38S.
Identifiers: ClinVar variation 185094 (VCV000185094.5), dbSNP rs786201923, ClinGen allele CA190999.
Genomic context (GRCh38, chr22:28,711,926, plus strand): 5'-AGACGTGTTAATAAAAGGTGATCAGCCTTTTATTGGTACTTACTGCCTCTCTTGCTGAAC[C>T]AATAGCAAACTTCCTTTTGCTGATGATCTTTATGGCTACTTTCTTACATGTTTTCCTCTC-3'
Protein context (NP_009125.1, residues 249-269): KIISKRKFAI[Gly259Ser]SAREADPALN